The following is an entry in ClinVar:

ClinVar aggregate classification (germline): Benign/Likely benign. Review status: criteria provided, multiple submitters, no conflicts (2 of 4 stars). 3 submissions from 3 submitters: Benign (1); Likely benign (1). 1 of the submissions does not count toward it. Last evaluated 2025-12-15.

Conditions:
LRP5-related disorder. Also called: LRP5-related condition.

Allele frequency attached by ClinVar (database versions not stated): gnomAD 0.00001 and 0.00015; TOPMed 0.00001; gnomAD exomes 0.00031 and 0.00065; ExAC 0.00069; 1000 Genomes Project 30x 0.00094; 1000 Genomes Project 0.00120.
gnomAD v4.1: 463 of 1,613,168 alleles (0.029%); highest among the groups gnomAD compares: South Asian, 0.48%; 8 homozygotes.

Submissions (3):

Labcorp Genetics (formerly Invitae), Labcorp
Classification: Benign. Last evaluated: 2025-12-15. Review status: criteria provided, single submitter. Criteria: Invitae Variant Classification Sherloc (09022015). Collection method: clinical testing. Allele origin: germline.

Blueprint Genetics
Classification: Likely benign. Last evaluated: 2024-09-12. Review status: criteria provided, single submitter. Criteria: ACMG Guidelines, 2015. Collection method: clinical testing. Allele origin: germline.

PreventionGenetics, part of Exact Sciences
Classification: Likely benign for LRP5-related condition. Last evaluated: 2019-05-14. Review status: no assertion criteria provided. Collection method: clinical testing. Allele origin: germline. Not counted in ClinVar's aggregate classification.
Comment: This variant is classified as likely benign based on ACMG/AMP sequence variant interpretation guidelines (Richards et al. 2015 PMID: 25741868, with internal and published modifications).

NM_002335.4(LRP5):c.96G>A (p.Ser32=)

Gene: LRP5 (LDL receptor related protein 5; plus strand). Cytogenetic location: 11q13.2.
Variant type: single nucleotide variant.
Coding change: c.96G>A on transcript NM_002335.4 (MANE Select); coding-DNA position 96, G replaced by A.
Protein change: p.Ser32=; no amino-acid change (serine 32 retained).
Molecular consequence: synonymous variant. On other transcripts: 5 prime UTR variant (1).
Genome position (GRCh38, 1-based): chr11:68,347,851, G>A. VCF-style: chr11-68347851-G-A. GRCh37 (hg19) VCF-style: chr11-68115319-G-A.
Other names: c.96G>A (NM_002335.3); c.-1670G>A (NM_001291902.2).
Identifiers: ClinVar variation 1675020 (VCV001675020.11), dbSNP rs202039395, ClinGen allele CA6148904.